The following is an entry in ClinVar:

ClinVar aggregate classification (germline): Uncertain significance (1 of 4 stars; one submission).

Allele frequency attached by ClinVar (database versions not stated): gnomAD 0.00001; gnomAD exomes 0.00001 and 0.00002; TOPMed 0.00001.
gnomAD v4.1: 36 of 1,588,516 alleles (0.0023%); highest among the groups gnomAD compares: Non-Finnish European, 0.0028%; no homozygotes.

Submission:

Labcorp Genetics (formerly Invitae), Labcorp
Classification: Uncertain significance. Last evaluated: 2019-08-06. Review status: criteria provided, single submitter. Criteria: Invitae Variant Classification Sherloc (09022015). Collection method: clinical testing. Allele origin: germline.
Comment: In summary, the available evidence is currently insufficient to determine the role of this variant in disease. Therefore, it has been classified as a Variant of Uncertain Significance. Nucleotide substitutions within the consensus splice site are a relatively common cause of aberrant splicing (PMID: 17576681, 9536098). Algorithms developed to predict the effect of sequence changes on RNA splicing suggest that this variant may disrupt the consensus splice site, but this prediction has not been confirmed by published transcriptional studies. This variant has not been reported in the literature in individuals with SLC24A1-related conditions. This variant is not present in population databases (ExAC no frequency). This sequence change falls in intron 9 of the SLC24A1 gene. It does not directly change the encoded amino acid sequence of the SLC24A1 protein, but it affects a nucleotide within the consensus splice site of the intron.

Literature cited by the submitters: PubMed 17576681; PubMed 9536098.

NM_004727.3(SLC24A1):c.3050+5G>A

Gene: SLC24A1 (solute carrier family 24 member 1; plus strand). Cytogenetic location: 15q22.31.
Variant type: single nucleotide variant.
Coding change: c.3050+5G>A on transcript NM_004727.3 (MANE Select); 5 bases into the intron after coding-DNA position 3050, G replaced by A.
Molecular consequence: intron variant.
Genome position (GRCh38, 1-based): chr15:65,652,813, G>A. VCF-style: chr15-65652813-G-A. GRCh37 (hg19) VCF-style: chr15-65945151-G-A.
Other names: c.2996+5G>A (NM_001301033.2, NM_001301032.1); c.2960+5G>A (NM_001301031.1); c.1031+5G>A (NM_001254740.2).
Identifiers: ClinVar variation 958817 (VCV000958817.6), dbSNP rs1272686676, ClinGen allele CA618958034.
Genomic context (GRCh38, chr15:65,652,813, plus strand): 5'-GGAGACATGGCTGTGTCAAGCTCTGTGGGCAGTAACATATTTGATATCACTGTGGGGTGA[G>A]TGGCAATGTAACTTTCTAAGGGGTGTTAAGTATGACTGGAAAACACTGCATTGGCTCTGT-3'